The following is an entry in ClinVar:

ClinVar aggregate classification (germline): Uncertain significance (1 of 4 stars; one submission).

Conditions:
TG-related disorder. Also called: TG-related condition; TG-related disorders.

gnomAD v4.1: 7 of 1,614,132 alleles (0.00043%); highest among the groups gnomAD compares: East Asian, 0.011%; no homozygotes.

Submission:

PreventionGenetics, part of Exact Sciences
Classification: Uncertain significance for TG-related condition. Last evaluated: 2026-03-26. Review status: criteria provided, single submitter. Criteria: ACMG Guidelines, 2015. Collection method: clinical testing. Allele origin: germline.
Comment: The TG c.4575G>T variant is predicted to result in the amino acid substitution p.Gln1525His. To our knowledge, this variant has not been reported in the literature. This variant is reported in 0.016% of alleles in individuals of East Asian descent in gnomAD. At this time, the clinical significance of this variant is uncertain due to the absence of conclusive functional and genetic evidence.

NM_003235.5(TG):c.4575G>T (p.Gln1525His)

Gene: TG (thyroglobulin; plus strand). Cytogenetic location: 8q24.22.
Variant type: single nucleotide variant.
Coding change: c.4575G>T on transcript NM_003235.5 (MANE Select); coding-DNA position 4575, G replaced by T.
Protein change: p.Gln1525His; replaces glutamine 1525 with histidine.
Molecular consequence: missense variant.
Genome position (GRCh38, 1-based): chr8:132,923,384, G>T. VCF-style: chr8-132923384-G-T. GRCh37 (hg19) VCF-style: chr8-133935629-G-T.
Other names: short protein forms Q1525H.
Identifiers: ClinVar variation 4985795 (VCV004985795.1).